The following is an entry in ClinVar:

NM_182641.4(BPTF):c.4290_4294del (p.Arg1430fs)

Gene: BPTF (bromodomain PHD finger transcription factor; plus strand). Cytogenetic location: 17q24.2.
Variant type: Microsatellite.
Coding change: c.4290_4294del on transcript NM_182641.4 (MANE Select); coding-DNA positions 4290 to 4294, 5 bases deleted (AGTAG; older notation c.4290_4294delAGTAG).
Protein change: p.Arg1430fs; shifts the reading frame from arginine 1430.
Molecular consequence: frameshift variant.
Genome position (GRCh38, 1-based): chr17:67,912,174-67,912,178, AGTAG deleted; deleting any 5 consecutive bases within chr17:67,912,167-67,912,178 gives the same sequence; the c. name uses the placement nearest the transcript's 3' end. VCF-style (leftmost placement, unchanged base first): chr17-67912166-GAGAGT-G. GRCh37 (hg19) VCF-style: chr17-65908282-GAGAGT-G.
Other names: c.4479_4483del, p.Arg1493fs (NM_001439139.1, NM_001439141.1, NM_001439143.1 and 1 more transcripts); c.4668_4672del, p.Arg1556fs (NM_001439140.1, NM_001439142.1, NM_004459.7); short protein forms R1430fs, R1556fs, R1493fs.
Identifiers: ClinVar variation 4997321 (VCV004997321.1).

ClinVar aggregate classification (germline): Pathogenic (1 of 4 stars; one submission).

Conditions:
BPTF-related disorder. Also called: BPTF-related condition.

Submission:

PreventionGenetics, part of Exact Sciences
Classification: Pathogenic for BPTF-related condition. Last evaluated: 2024-12-03. Review status: criteria provided, single submitter. Criteria: ACMG Guidelines, 2015. Collection method: clinical testing. Allele origin: germline.
Comment: The BPTF c.4290_4294del5 variant is predicted to result in a frameshift and premature protein termination (p.Arg1430Serfs*4). To our knowledge, this variant has not been reported in the literature or in a large population database (gnomAD), indicating it is rare. On the HGMD transcript, which is also the transcript frequently reported in the literature, the nomenclature for this variant is NM_004459:c.4668_4672del (p.Arg1556Serfs*4). Frameshift variants in BPTF are expected to be pathogenic. This variant is interpreted as pathogenic.